The following is an entry in ClinVar:

NM_004260.4(RECQL4):c.988dup (p.Ala330fs)

Gene: RECQL4 (RecQ like helicase 4; minus strand). Cytogenetic location: 8q24.3.
Variant type: Duplication.
Coding change: c.988dup on transcript NM_004260.4 (MANE Select); coding-DNA position 988, one base duplicated (G; older notation c.988dupG).
Protein change: p.Ala330fs; shifts the reading frame from alanine 330.
Molecular consequence: frameshift variant.
Genome position (GRCh38, 1-based): chr8:144,516,131, C duplicated on the plus strand (G on the coding strand, the reverse complement: RECQL4 is on the minus strand); the first of 3 consecutive C bases (chr8:144,516,131-144,516,133); duplicating any one gives the same sequence. VCF-style (leftmost placement, unchanged base first): chr8-144516130-G-GC. GRCh37 (hg19) VCF-style: chr8-145741514-G-GC.
Other names: short protein forms A330fs.
Identifiers: ClinVar variation 1687357 (VCV001687357.7), dbSNP rs2130718434, ClinGen allele CA2573142938.

ClinVar aggregate classification (germline): Pathogenic/Likely pathogenic. Review status: criteria provided, multiple submitters, no conflicts (2 of 4 stars). 3 submissions from 3 submitters: Pathogenic (2); Likely pathogenic (1). Last evaluated 2022-06-27.

Conditions:
Baller-Gerold syndrome (BGS). Also called: CRANIOSYNOSTOSIS WITH RADIAL DEFECTS. Identifiers: Orphanet 1225, MedGen C0265308, MONDO:0009039, OMIM 218600.
RECQL4-related disorder. Also called: RECQL4-related disorders; RECQL4-related condition.
Rothmund-Thomson syndrome type 2 (RTS2). Identifiers: Orphanet 221016, MedGen C5203410, MONDO:0016369, OMIM 268400.

Submissions (3):

Labcorp Genetics (formerly Invitae), Labcorp
Classification: Pathogenic for Baller-Gerold syndrome. Last evaluated: 2022-06-27. Review status: criteria provided, single submitter. Criteria: Invitae Variant Classification Sherloc (09022015). Collection method: clinical testing. Allele origin: germline.
Comment: This sequence change creates a premature translational stop signal (p.Ala330Glyfs*5) in the RECQL4 gene. It is expected to result in an absent or disrupted protein product. Loss-of-function variants in RECQL4 are known to be pathogenic (PMID: 12734318, 12952869). For these reasons, this variant has been classified as Pathogenic. This variant has not been reported in the literature in individuals affected with RECQL4-related conditions. This variant is not present in population databases (gnomAD no frequency).

3billion
Classification: Pathogenic for Rothmund-Thomson syndrome type 2. Last evaluated: 2022-05-22. Review status: criteria provided, single submitter. Criteria: ACMG Guidelines, 2015. Collection method: clinical testing. Allele origin: germline. Affected: yes. Observed: 1 homozygote.
Comment: The variant is not observed in the gnomAD v2.1.1 dataset. Frameshift: predicted to result in a loss or disruption of normal protein function through nonsense-mediated decay (NMD) or protein truncation. Multiple pathogenic variants are reported downstream of the variant. Therefore, this variant is classified as likely pathogenic according to the recommendation of ACMG/AMP guideline.

Blueprint Genetics
Classification: Likely pathogenic for RECQL4-related disorders. Last evaluated: 2019-11-19. Review status: criteria provided, single submitter. Criteria: ACMG Guidelines, 2015. Collection method: clinical testing. Allele origin: germline. Affected: yes. Observed: 2 variant alleles.

Literature cited by the submitters: PubMed 12734318 (cited by Labcorp Genetics (formerly Invitae), Labcorp); PubMed 12952869 (cited by Labcorp Genetics (formerly Invitae), Labcorp).